The following is an entry in ClinVar:

ClinVar aggregate classification (germline): Uncertain significance (1 of 4 stars; one submission).

Submission:

Labcorp Genetics (formerly Invitae), Labcorp
Classification: Uncertain significance. Last evaluated: 2022-03-04. Review status: criteria provided, single submitter. Criteria: Invitae Variant Classification Sherloc (09022015). Collection method: clinical testing. Allele origin: germline.
Comment: This variant occurs in the RNU4ATAC gene, which encodes an RNA molecule that does not result in a protein product. This variant is not present in population databases (gnomAD no frequency). This variant has not been reported in the literature in individuals affected with RNU4ATAC-related conditions. This variant is located within the Sm protein-binding region of the RNU4ATAC RNA, which is important for small nuclear RNA maturation (PMID: 32628740). A significant number of disease-associated RNU4ATAC variants are found in this region (PMID: 32628740, 30368667). In summary, the available evidence is currently insufficient to determine the role of this variant in disease. Therefore, it has been classified as a Variant of Uncertain Significance.

Literature cited by the submitters: PubMed 32628740; PubMed 30368667.

NC_000002.12:g.121530998T>A

Genes: RNU4ATAC (RNA, U4atac small nuclear; plus strand), CLASP1 (cytoplasmic linker associated protein 1; minus strand), CLASP1-AS1 (CLASP1 antisense RNA 1; plus strand). Cytogenetic location: 2q14.2.
Variant type: single nucleotide variant.
Molecular consequence: intron variant (on NM_001395891.1).
Genome position: GRCh38 VCF-style: chr2-121530998-T-A. GRCh37 (hg19) VCF-style: chr2-122288574-T-A.
Other names: c.196-673A>T (NM_001142274.2, NM_015282.3, NM_001378003.1 and 5 more transcripts).
Identifiers: ClinVar variation 2092560 (VCV002092560.4), dbSNP rs2104781653, ClinGen allele CA428888225.